The following is an entry in ClinVar:

ClinVar aggregate classification (germline): Likely benign (0 of 4 stars; one submission).

Conditions:
STOX1-related disorder. Also called: STOX1-related condition.

Allele frequency attached by ClinVar (database versions not stated): gnomAD exomes 0.00012; ExAC 0.00036; gnomAD 0.00122; ESP Exome Variant Server 0.00124; 1000 Genomes Project 0.00140; TOPMed 0.00144; 1000 Genomes Project 30x 0.00156.
gnomAD v4.1: 368 of 1,614,188 alleles (0.023%); highest among the groups gnomAD compares: African/African-American, 0.43%; 3 homozygotes.

Submission:

PreventionGenetics, part of Exact Sciences
Classification: Likely benign for STOX1-related condition. Last evaluated: 2019-03-05. Review status: no assertion criteria provided. Collection method: clinical testing. Allele origin: germline.
Comment: This variant is classified as likely benign based on ACMG/AMP sequence variant interpretation guidelines (Richards et al. 2015 PMID: 25741868, with internal and published modifications).

NM_152709.5(STOX1):c.2280C>T (p.Phe760=)

Gene: STOX1 (storkhead box 1; plus strand). Cytogenetic location: 10q22.1.
Variant type: single nucleotide variant.
Coding change: c.2280C>T on transcript NM_152709.5 (MANE Select); coding-DNA position 2280, C replaced by T.
Protein change: p.Phe760=; no amino-acid change (phenylalanine 760 retained).
Molecular consequence: synonymous variant. On other transcripts: intron variant (2).
Genome position (GRCh38, 1-based): chr10:68,886,076, C>T. VCF-style: chr10-68886076-C-T. GRCh37 (hg19) VCF-style: chr10-70645832-C-T.
Other names: c.2280C>T, p.Phe760= (NM_001130161.4); c.663+1617C>T (NM_001130159.3); c.463+3966C>T (NM_001130160.3).
Identifiers: ClinVar variation 3045434 (VCV003045434.2), dbSNP rs147081436, ClinGen allele CA5528324.